The following is an entry in ClinVar:

NM_004655.4(AXIN2):c.1386_1388delinsTCC (p.Arg463Pro)

Gene: AXIN2 (axin 2; minus strand). Cytogenetic location: 17q24.1.
Variant type: Indel.
Coding change: c.1386_1388delinsTCC on transcript NM_004655.4 (MANE Select); coding-DNA positions 1386 to 1388, CCG replaced by TCC.
Protein change: p.Arg463Pro; replaces arginine 463 with proline.
Molecular consequence: missense variant.
Genome position (GRCh38, 1-based): chr17:65,537,648-65,537,650, CGG replaced by GGA on the plus strand (CCG replaced by TCC on the coding strand, the reverse complement: AXIN2 is on the minus strand). VCF-style: chr17-65537648-CGG-GGA. GRCh37 (hg19) VCF-style: chr17-63533766-CGG-GGA.
Other names: c.1386_1388delinsTCC, p.Arg463Pro (NM_001363813.1); short protein forms R463P.
Identifiers: ClinVar variation 3335403 (VCV003335403.1).
Genomic context (GRCh38, chr17:65,537,648, plus strand): 5'-GGCGGGAGCAGGGAGTGGTACTGCGAATGGTGGTGGTGGTGGTGGTCCGGGGAGCGGGAG[CGG>GGA]GGGCTATAGCGGCCTACGCCTGGAGACTGGCAGCCAGGGGTCTTGAGGACCCTGGACAGG-3'
Protein context (NP_004646.3, residues 453-473): QSPGVGRYSP[Arg463Pro]SRSPDHHHHH

ClinVar aggregate classification (germline): Uncertain significance (1 of 4 stars; one submission).

Conditions:
Hereditary cancer-predisposing syndrome. Also called: Neoplastic Syndromes, Hereditary; Tumor predisposition; Hereditary neoplastic syndrome; Hereditary Cancer Syndrome. Identifiers: Orphanet 140162, MedGen C0027672, MeSH D009386, MONDO:0015356.

Submission:

Ambry Genetics
Classification: Uncertain significance for Hereditary cancer-predisposing syndrome. Last evaluated: 2024-03-18. Review status: criteria provided, single submitter. Criteria: Ambry Variant Classification Scheme 2023. Collection method: clinical testing. Allele origin: germline.
Comment: The c.1386_1388delCCGinsTCC variant (also known as p.R463P), located in coding exon 5 of the AXIN2 gene, results from an in-frame deletion of CCG and insertion of TCC at nucleotide positions 1386 to 1388. This results in the substitution of the arginine residue for a proline residue at codon 463, an amino acid with dissimilar properties. This amino acid position is well conserved in available vertebrate species. In addition, the in silico prediction for this alteration is inconclusive (Choi Y et al. PLoS ONE. 2012; 7(10):e46688). Since supporting evidence is limited at this time, the clinical significance of this alteration remains unclear.